The following is an entry in ClinVar:

ClinVar aggregate classification (germline): Benign (1 of 4 stars; one submission).

Conditions:
Breast-ovarian cancer, familial, susceptibility to, 4. Identifiers: Orphanet 145, MedGen C3280345, MONDO:0013669, OMIM 614291.

Submission:

Myriad Genetics, Inc.
Classification: Benign for Breast-ovarian cancer, familial, susceptibility to, 4. Last evaluated: 2025-02-20. Review status: criteria provided, single submitter. Criteria: Myriad Autosomal Dominant, Autosomal Recessive and X-Linked Classification Criteria (2023). Collection method: clinical testing. Allele origin: unknown.
Comment: This variant is considered benign. This variant is a silent/synonymous amino acid change and it is not expected to impact splicing.

NM_002878.4(RAD51D):c.138T>A (p.Ser46=)

Genes: RAD51D (RAD51 paralog D; minus strand), RAD51L3-RFFL (RAD51L3-RFFL readthrough; minus strand). Cytogenetic location: 17q12.
Variant type: single nucleotide variant.
Coding change: c.138T>A on transcript NM_002878.4 (MANE Select); coding-DNA position 138, T replaced by A.
Protein change: p.Ser46=; no amino-acid change (serine 46 retained).
Molecular consequence: synonymous variant. On other transcripts: non-coding transcript variant (2).
Genome position (GRCh38, 1-based): chr17:35,119,117, A>T on the plus strand (T>A on the coding strand, the complement: RAD51D is on the minus strand). VCF-style: chr17-35119117-A-T. GRCh37 (hg19) VCF-style: chr17-33446136-A-T.
Other names: c.138T>A, p.Ser46= (NM_001142571.2, NM_133629.3).
Identifiers: ClinVar variation 3904005 (VCV003904005.1).